The following is an entry in ClinVar:

ClinVar aggregate classification (germline): Conflicting classifications of pathogenicity. Review status: criteria provided, conflicting classifications (1 of 4 stars). 3 submissions from 3 submitters: Uncertain significance (2); Likely benign (1). Last evaluated 2025-12-26.

Conditions:
RPGR-related disorder. Also called: RPGR-related condition.
Primary ciliary dyskinesia. Also called: Ciliary dyskinesia. Identifiers: Orphanet 244, MedGen C0008780, MONDO:0016575, HP:0012265.

Submissions (3):

PreventionGenetics, part of Exact Sciences
Classification: Likely benign for RPGR-related condition. Last evaluated: 2025-12-26. Review status: criteria provided, single submitter. Criteria: ACMG Guidelines, 2015. Collection method: clinical testing. Allele origin: germline.
Comment: This variant is classified as likely benign based on ACMG/AMP sequence variant interpretation guidelines (Richards et al. 2015 PMID: 25741868, with internal and published modifications).

Labcorp Genetics (formerly Invitae), Labcorp
Classification: Uncertain significance for Primary ciliary dyskinesia. Last evaluated: 2024-12-24. Review status: criteria provided, single submitter. Criteria: Invitae Variant Classification Sherloc (09022015). Collection method: clinical testing. Allele origin: germline.
Comment: This variant, c.2721_2744del, results in the deletion of 8 amino acid(s) of the RPGR (ORF15) protein (p.Gly908_Glu915del), but otherwise preserves the integrity of the reading frame. The frequency data for this variant in the population databases is considered unreliable, as metrics indicate poor data quality at this position in the gnomAD database. This variant has not been reported in the literature in individuals affected with RPGR (ORF15)-related conditions. Experimental studies and prediction algorithms are not available or were not evaluated, and the functional significance of this variant is currently unknown. In summary, the available evidence is currently insufficient to determine the role of this variant in disease. Therefore, it has been classified as a Variant of Uncertain Significance.

Blueprint Genetics
Classification: Uncertain significance. Last evaluated: 2024-05-07. Review status: criteria provided, single submitter. Criteria: ACMG Guidelines, 2015. Collection method: clinical testing. Allele origin: germline.

NM_001034853.2(RPGR):c.2697AGGAGAAGGGGAGGGAGAAGAGGA[1] (p.900GEGEGEEE[1])

Gene: RPGR (retinitis pigmentosa GTPase regulator; minus strand). Cytogenetic location: Xp11.4.
Variant type: Microsatellite.
Coding change: c.2697AGGAGAAGGGGAGGGAGAAGAGGA[1] on transcript NM_001034853.2 (MANE Select); one copy of the 24-base unit AGGAGAAGGGGAGGGAGAAGAGGA starting at c.2697; the reference has two copies in a row; one copy, 24 bases deleted.
Protein change: p.900GEGEGEEE[1].
Molecular consequence: inframe deletion. On other transcripts: intron variant (8).
Genome position (GRCh38, 1-based): chrX:38,286,255-38,286,278, TCCTCTTCTCCCTCCCCTTCTCCT deleted on the plus strand (AGGAGAAGGGGAGGGAGAAGAGGA on the coding strand, the reverse complement: RPGR is on the minus strand); deleting any 24 consecutive bases within chrX:38,286,255-38,286,307 gives the same sequence; the position shown is the placement nearest the transcript's 3' end. VCF-style (leftmost placement, unchanged base first): chrX-38286254-CTCCTCTTCTCCCTCCCCTTCTCCT-C. GRCh37 (hg19) VCF-style: chrX-38145507-CTCCTCTTCTCCCTCCCCTTCTCCT-C.
Other names: c.1569+4681_1569+4704del (NM_001367249.1, NM_001367250.1); c.1902+816_1902+839del (NM_001367245.1); c.1386+4681_1386+4704del (NM_001367251.1); c.1719+816_1719+839del (NM_001367246.1); c.1572+4681_1572+4704del (NM_001367247.1); c.1905+816_1905+839del (NM_000328.3); c.1602+4681_1602+4704del (NM_001367248.1); c.2721_2744del24 (NM_001034853.1).
Identifiers: ClinVar variation 2152927 (VCV002152927.5), dbSNP rs757402645, ClinGen allele CA10385249.